The following is an entry in ClinVar:

NM_005876.5(SPEG):c.3577C>T (p.Pro1193Ser)

Gene: SPEG (striated muscle enriched protein kinase; plus strand). Cytogenetic location: 2q35.
Variant type: single nucleotide variant.
Coding change: c.3577C>T on transcript NM_005876.5 (MANE Select); coding-DNA position 3577, C replaced by T.
Protein change: p.Pro1193Ser; replaces proline 1193 with serine.
Molecular consequence: missense variant.
Genome position (GRCh38, 1-based): chr2:219,469,241, C>T. VCF-style: chr2-219469241-C-T. GRCh37 (hg19) VCF-style: chr2-220333963-C-T.
Other names: short protein forms P1193S.
Identifiers: ClinVar variation 1376798 (VCV001376798.6), dbSNP rs1691656078, ClinGen allele CA350748758.
Genomic context (GRCh38, chr2:219,469,241, plus strand): 5'-ATTCCCGAGGAGCCAGAGCAGGGTGAGCTGGAGCGGCTGTCCATTCCTGACTTCCTGCGG[C>T]CACTGCAGGACCTGGAGGTGGGACTGGCCAAGGAGGCCATGCTAGAGTGCCAGGTGACCG-3'
Protein context (NP_005867.3, residues 1183-1203): ERLSIPDFLR[Pro1193Ser]LQDLEVGLAK

ClinVar aggregate classification (germline): Uncertain significance (1 of 4 stars; one submission).

Allele frequency attached by ClinVar (database versions not stated): TOPMed below 0.00001.
gnomAD v4.1: 1 of 1,613,794 alleles (0.000062%); highest among the groups gnomAD compares: African/African-American, 0.0013%; no homozygotes.

Submission:

Labcorp Genetics (formerly Invitae), Labcorp
Classification: Uncertain significance. Last evaluated: 2022-03-13. Review status: criteria provided, single submitter. Criteria: Invitae Variant Classification Sherloc (09022015). Collection method: clinical testing. Allele origin: germline.
Comment: In summary, the available evidence is currently insufficient to determine the role of this variant in disease. Therefore, it has been classified as a Variant of Uncertain Significance. Algorithms developed to predict the effect of sequence changes on RNA splicing suggest that this variant may create or strengthen a splice site. Algorithms developed to predict the effect of missense changes on protein structure and function are either unavailable or do not agree on the potential impact of this missense change (SIFT: "Deleterious"; PolyPhen-2: "Probably Damaging"; Align-GVGD: "Class C0"). This variant has not been reported in the literature in individuals affected with SPEG-related conditions. This variant is not present in population databases (gnomAD no frequency). This sequence change replaces proline, which is neutral and non-polar, with serine, which is neutral and polar, at codon 1193 of the SPEG protein (p.Pro1193Ser).